The following is an entry in ClinVar:

ClinVar aggregate classification (germline): Pathogenic. Review status: criteria provided, multiple submitters, no conflicts (2 of 4 stars). 2 submissions from 2 submitters: Pathogenic (2). Last evaluated 2023-09-20.

Conditions:
Hereditary cancer-predisposing syndrome. Also called: Neoplastic Syndromes, Hereditary; Tumor predisposition; Hereditary Cancer Syndrome; Hereditary neoplastic syndrome. Identifiers: Orphanet 140162, MedGen C0027672, MeSH D009386, MONDO:0015356.
Lynch syndrome 4 (LYNCH4). Also called: Colorectal cancer, hereditary nonpolyposis, type 4; Hereditary non-polyposis colorectal cancer, type 4. Identifiers: Orphanet 144, MedGen C1838333, MONDO:0013699, OMIM 614337. Disease mechanism: loss of function.

Submissions (2):

Myriad Genetics, Inc.
Classification: Pathogenic for Lynch syndrome 4. Last evaluated: 2023-09-20. Review status: criteria provided, single submitter. Criteria: Myriad Autosomal Dominant, Autosomal Recessive and X-Linked Classification Criteria (2023). Collection method: clinical testing. Allele origin: unknown.
Comment: This variant is considered pathogenic. This variant creates a frameshift predicted to result in premature protein truncation.

Ambry Genetics
Classification: Pathogenic for Hereditary cancer-predisposing syndrome. Last evaluated: 2020-09-22. Review status: criteria provided, single submitter. Criteria: Ambry Variant Classification Scheme 2023. Collection method: clinical testing. Allele origin: germline.
Comment: The c.1721dupC pathogenic mutation, located in coding exon 11 of the PMS2 gene, results from a duplication of C at nucleotide position 1721, causing a translational frameshift with a predicted alternate stop codon (p.N575Kfs*6). This alteration is expected to result in loss of function by premature protein truncation or nonsense-mediated mRNA decay. As such, this alteration is interpreted as a disease-causing mutation.

NM_000535.7(PMS2):c.1721dup (p.Asn575fs)

Gene: PMS2 (PMS1 homolog 2, mismatch repair system component; minus strand). Cytogenetic location: 7p22.1.
Variant type: Duplication.
Coding change: c.1721dup on transcript NM_000535.7 (MANE Select); coding-DNA position 1721, one base duplicated (C; older notation c.1721dupC).
Protein change: p.Asn575fs; shifts the reading frame from asparagine 575.
Molecular consequence: frameshift variant. On other transcripts: non-coding transcript variant (1).
Genome position (GRCh38, 1-based): chr7:5,987,044, G duplicated on the plus strand (C on the coding strand, the reverse complement: PMS2 is on the minus strand); the first of 4 consecutive G bases (chr7:5,987,044-5,987,047); duplicating any one gives the same sequence. VCF-style (leftmost placement, unchanged base first): chr7-5987043-T-TG. GRCh37 (hg19) VCF-style: chr7-6026674-T-TG.
Other names: c.1400dup, p.Asn469Lysfs (NM_001406903.1, NM_001406876.1, NM_001406883.1); c.1157dup, p.Asn388Lysfs (NM_001406907.1, NM_001406906.1); c.1313dup, p.Asn440Lysfs (NM_001406908.1, NM_001018040.1, NM_001406887.1 and 13 more transcripts); c.1205dup, p.Asn404Lysfs (NM_001406904.1, NM_001406905.1); c.1316dup, p.Asn440fs (NM_001322003.2, NM_001322004.2, NM_001322005.2 and 1 more transcripts); c.1565dup, p.Asn523fs (NM_001322006.2); c.1403dup, p.Asn469fs (NM_001322007.2, NM_001322008.2); c.1160dup, p.Asn388fs (NM_001322010.2); and 20 more; short protein forms N264fs, N388fs, N440fs, N472fs, N469fs, N523fs, N384fs, N575fs.
Identifiers: ClinVar variation 1778774 (VCV001778774.3), dbSNP rs1583316404, ClinGen allele CA2580076894.